The following is an entry in ClinVar:

NM_017633.3(TENT5A):c.114_115insAGCGGCGACTTCGGC (p.Gly38_Gly39insSerGlyAspPheGly)

Gene: TENT5A (terminal nucleotidyltransferase 5A; minus strand). Cytogenetic location: 6q14.1.
Variant type: Insertion.
Coding change: c.114_115insAGCGGCGACTTCGGC on transcript NM_017633.3 (MANE Select); coding-DNA positions 114 to 115, AGCGGCGACTTCGGC inserted.
Protein change: p.Gly38_Gly39insSerGlyAspPheGly.
Molecular consequence: inframe insertion.
Genome position: GRCh38 VCF-style: chr6-81752027-C-CGCCGAAGTCGCCGCT. GRCh37 (hg19) VCF-style: chr6-82461744-C-CGCCGAAGTCGCCGCT.
Identifiers: ClinVar variation 1680617 (VCV001680617.6), dbSNP rs1769051255, ClinGen allele CA2573141270.

ClinVar aggregate classification (germline): Uncertain significance (1 of 4 stars; one submission).

Submission:

Labcorp Genetics (formerly Invitae), Labcorp
Classification: Uncertain significance. Last evaluated: 2021-08-31. Review status: criteria provided, single submitter. Criteria: Invitae Variant Classification Sherloc (09022015). Collection method: clinical testing. Allele origin: germline.
Comment: In summary, the available evidence is currently insufficient to determine the role of this variant in disease. Therefore, it has been classified as a Variant of Uncertain Significance. Algorithms developed to predict the effect of sequence changes on RNA splicing suggest that this variant may create or strengthen a splice site. This variant has not been reported in the literature in individuals affected with FAM46A-related conditions. This variant is not present in population databases (ExAC no frequency). This variant, c.114_115insAGCGGCGACTTCGGC, results in the insertion of 5 amino acid(s) to the FAM46A protein (p.Gly38_Gly39insSerGlyAspPheGly), but otherwise preserves the integrity of the reading frame.